The following is an entry in ClinVar:

ClinVar aggregate classification (germline): Likely benign. Review status: criteria provided, multiple submitters, no conflicts (2 of 4 stars). 2 submissions from 2 submitters: Likely benign (2). Last evaluated 2025-05-26.

Conditions:
Colorectal cancer, susceptibility to, 12 (CRCS12). Also called: COLORECTAL CANCER, SUSCEPTIBILITY TO, ON CHROMOSOME 12q24. Identifiers: Orphanet 220460, MedGen C3554460, MONDO:0014038, OMIM 615083.

Submissions (2):

Labcorp Genetics (formerly Invitae), Labcorp
Classification: Likely benign. Last evaluated: 2025-05-26. Review status: criteria provided, single submitter. Criteria: Invitae Variant Classification Sherloc (09022015). Collection method: clinical testing. Allele origin: germline.

Myriad Genetics, Inc.
Classification: Likely benign for Colorectal cancer, susceptibility to, 12. Last evaluated: 2025-02-11. Review status: criteria provided, single submitter. Criteria: Myriad Autosomal Dominant, Autosomal Recessive and X-Linked Classification Criteria (2023). Collection method: clinical testing. Allele origin: unknown.
Comment: This variant is considered likely benign. This variant is intronic and is not expected to impact mRNA splicing.

NM_006231.4(POLE):c.1360-7T>C

Gene: POLE (DNA polymerase epsilon, catalytic subunit; minus strand). Cytogenetic location: 12q24.33.
Variant type: single nucleotide variant.
Coding change: c.1360-7T>C on transcript NM_006231.4 (MANE Select); 7 bases into the intron before coding-DNA position 1360, T replaced by C.
Molecular consequence: intron variant.
Genome position (GRCh38, 1-based): chr12:132,673,284, A>G on the plus strand (T>C on the coding strand, the complement: POLE is on the minus strand). VCF-style: chr12-132673284-A-G. GRCh37 (hg19) VCF-style: chr12-133249870-A-G.
Identifiers: ClinVar variation 3608146 (VCV003608146.3).